The following is an entry in ClinVar:

ClinVar aggregate classification (germline): Uncertain significance (1 of 4 stars; one submission).

Conditions:
Familial hemophagocytic lymphohistiocytosis 5. Also called: STXBP2-Related Familial Hemophagocytic Lymphohistiocytosis (STXBP2-fHLH). Identifiers: Orphanet 540, MedGen C2751293, MONDO:0013135, OMIM 613101.

Submission:

Labcorp Genetics (formerly Invitae), Labcorp
Classification: Uncertain significance for Hemophagocytic lymphohistiocytosis, familial, 5. Last evaluated: 2018-04-09. Review status: criteria provided, single submitter. Criteria: Invitae Variant Classification Sherloc (09022015). Collection method: clinical testing. Allele origin: germline.
Comment: This variant results in a copy number gain of the genomic region encompassing the full coding sequence of the STXBP2 gene. The boundaries of this event are unknown as they extend beyond the assayed region for this gene and therefore may encompass additional genes. As the precise location of this event is unknown, it may be in tandem or it may be located elsewhere in the genome. This variant has not been reported in the literature in individuals with STXBP2-related disease. In summary, the available evidence is currently insufficient to determine the role of this variant in disease. Therefore, it has been classified as a Variant of Uncertain Significance.

NC_000019.9:g.(?_7702016)_(7712716_?)dup

Genes: STXBP2 (syntaxin binding protein 2; plus strand), LOC130063381 (ATAC-STARR-seq lymphoblastoid silent region 9989; plus strand). Cytogenetic location: 19p13.2.
Variant type: Duplication.
Identifiers: ClinVar variation 584378 (VCV000584378.1).